The following is an entry in ClinVar:

NM_018896.5(CACNA1G):c.1237C>T (p.Arg413Cys)

Gene: CACNA1G (calcium voltage-gated channel subunit alpha1 G; plus strand). Cytogenetic location: 17q21.33.
Variant type: single nucleotide variant.
Coding change: c.1237C>T on transcript NM_018896.5 (MANE Select); coding-DNA position 1237, C replaced by T.
Protein change: p.Arg413Cys; replaces arginine 413 with cysteine.
Molecular consequence: missense variant. On other transcripts: non-coding transcript variant (5).
Genome position (GRCh38, 1-based): chr17:50,575,639, C>T. VCF-style: chr17-50575639-C-T. GRCh37 (hg19) VCF-style: chr17-48653000-C-T.
Other names: c.1237C>T, p.Arg413Cys (NM_001256324.2, NM_001256325.2, NM_001256326.2 and 24 more transcripts); short protein forms R413C.
Identifiers: ClinVar variation 1927767 (VCV001927767.5), dbSNP rs761521704, ClinGen allele CA291595731.
Genomic context (GRCh38, chr17:50,575,639, plus strand): 5'-GTGATTGCCACGCAGTTCTCAGAGACCAAGCAGCGGGAAAGCCAGCTGATGCGGGAGCAG[C>T]GTGTGCGGTTCCTGTCCAACGCCAGCACCCTGGCTAGCTTCTCTGAGCCCGGCAGCTGCT-3'
Protein context (NP_061496.2, residues 403-423): QRESQLMREQ[Arg413Cys]VRFLSNASTL

ClinVar aggregate classification (germline): Uncertain significance (1 of 4 stars; one submission).

Allele frequency attached by ClinVar (database versions not stated): gnomAD exomes below 0.00001; gnomAD 0.00001.
gnomAD v4.1: 3 of 1,613,642 alleles (0.00019%); highest among the groups gnomAD compares: Non-Finnish European, 0.00025%; no homozygotes.

Submission:

Labcorp Genetics (formerly Invitae), Labcorp
Classification: Uncertain significance. Last evaluated: 2023-11-27. Review status: criteria provided, single submitter. Criteria: Invitae Variant Classification Sherloc (09022015). Collection method: clinical testing. Allele origin: germline.
Comment: This sequence change replaces arginine, which is basic and polar, with cysteine, which is neutral and slightly polar, at codon 413 of the CACNA1G protein (p.Arg413Cys). This variant is present in population databases (rs761521704, gnomAD 0.007%). This variant has not been reported in the literature in individuals affected with CACNA1G-related conditions. ClinVar contains an entry for this variant (Variation ID: 1927767). Advanced modeling of protein sequence and biophysical properties (such as structural, functional, and spatial information, amino acid conservation, physicochemical variation, residue mobility, and thermodynamic stability) has been performed at Invitae for this missense variant, however the output from this modeling did not meet the statistical confidence thresholds required to predict the impact of this variant on CACNA1G protein function. In summary, the available evidence is currently insufficient to determine the role of this variant in disease. Therefore, it has been classified as a Variant of Uncertain Significance.